The following is an entry in ClinVar:

ClinVar aggregate classification (germline): Uncertain significance. Review status: criteria provided, multiple submitters, no conflicts (2 of 4 stars). 2 submissions from 2 submitters: Uncertain significance (2). Last evaluated 2026-02-24.

Conditions:
Neurofibromatosis, type 1 (NF1). Also called: NEUROFIBROMATOSIS, TYPE I, SOMATIC; Neurofibromatosis, type I; Peripheral type neurofibromatosis; VON RECKLINGHAUSEN DISEASE. Identifiers: Orphanet 636, MedGen C0027831, MONDO:0018975, OMIM 162200. Disease mechanism: loss of function.

gnomAD v4.1: 1 of 1,611,822 alleles (0.000062%); highest among the groups gnomAD compares: Non-Finnish European, 0.000085%; no homozygotes.

Submissions (2):

GeneDx
Classification: Uncertain significance. Last evaluated: 2026-02-24. Review status: criteria provided, single submitter. Criteria: GeneDx Variant Classification Process June 2021. Collection method: clinical testing. Allele origin: germline.
Comment: Not observed at significant frequency in large population cohorts (gnomAD); In silico analysis suggests that this missense variant does not alter protein structure/function; Has not been previously published as pathogenic or benign to our knowledge; This variant is associated with the following publications: (PMID: 25486365, 2121369)

Labcorp Genetics (formerly Invitae), Labcorp
Classification: Uncertain significance for Neurofibromatosis, type 1. Last evaluated: 2022-03-06. Review status: criteria provided, single submitter. Criteria: Invitae Variant Classification Sherloc (09022015). Collection method: clinical testing. Allele origin: germline.
Comment: This variant has not been reported in the literature in individuals affected with NF1-related conditions. This sequence change replaces serine, which is neutral and polar, with asparagine, which is neutral and polar, at codon 979 of the NF1 protein (p.Ser979Asn). This variant is not present in population databases (gnomAD no frequency). ClinVar contains an entry for this variant (Variation ID: 1062159). Advanced modeling of protein sequence and biophysical properties (such as structural, functional, and spatial information, amino acid conservation, physicochemical variation, residue mobility, and thermodynamic stability) performed at Invitae indicates that this missense variant is expected to disrupt NF1 protein function. In summary, the available evidence is currently insufficient to determine the role of this variant in disease. Therefore, it has been classified as a Variant of Uncertain Significance.

NM_001042492.3(NF1):c.2936G>A (p.Ser979Asn)

Gene: NF1 (neurofibromin 1; plus strand). Cytogenetic location: 17q11.2.
Variant type: single nucleotide variant.
Coding change: c.2936G>A on transcript NM_001042492.3 (MANE Select); coding-DNA position 2936, G replaced by A.
Protein change: p.Ser979Asn; replaces serine 979 with asparagine.
Molecular consequence: missense variant.
Genome position (GRCh38, 1-based): chr17:31,229,920, G>A. VCF-style: chr17-31229920-G-A. GRCh37 (hg19) VCF-style: chr17-29556938-G-A.
Other names: c.2936G>A, p.Ser979Asn (NM_000267.4); short protein forms S979N.
Identifiers: ClinVar variation 1062159 (VCV001062159.6), dbSNP rs2151430704, ClinGen allele CA398986257.